The following is an entry in ClinVar:

ClinVar aggregate classification (germline): Likely benign. Review status: criteria provided, multiple submitters, no conflicts (2 of 4 stars). 4 submissions from 4 submitters: Likely benign (3). 1 of the submissions does not count toward it. Last evaluated 2025-12-19.

Conditions:
P3H1-related disorder. Also called: P3H1-related condition.
Osteogenesis imperfecta type 8 (OI8). Identifiers: MedGen C1970458, MONDO:0012581, OMIM 610915.

Allele frequency attached by ClinVar (database versions not stated): TOPMed 0.00005; gnomAD 0.00007 and 0.00008.
gnomAD v4.1: 149 of 1,614,076 alleles (0.0092%); highest among the groups gnomAD compares: Non-Finnish European, 0.011%; no homozygotes.

Submissions (4):

Labcorp Genetics (formerly Invitae), Labcorp
Classification: Likely benign for Osteogenesis imperfecta type 8. Last evaluated: 2025-12-19. Review status: criteria provided, single submitter. Criteria: Invitae Variant Classification Sherloc (09022015). Collection method: clinical testing. Allele origin: germline.

Blueprint Genetics
Classification: Likely benign. Last evaluated: 2024-11-18. Review status: criteria provided, single submitter. Criteria: ACMG Guidelines, 2015. Collection method: clinical testing. Allele origin: germline.

ARUP Laboratories, Molecular Genetics and Genomics, ARUP Laboratories
Classification: Likely benign for Osteogenesis imperfecta type 8. Last evaluated: 2023-12-20. Review status: criteria provided, single submitter. Criteria: ARUP Molecular Germline Variant Investigation Process 2024. Collection method: clinical testing. Allele origin: germline.

PreventionGenetics, part of Exact Sciences
Classification: Likely benign for P3H1-related condition. Last evaluated: 2022-04-25. Review status: no assertion criteria provided. Collection method: clinical testing. Allele origin: germline. Not counted in ClinVar's aggregate classification.
Comment: This variant is classified as likely benign based on ACMG/AMP sequence variant interpretation guidelines (Richards et al. 2015 PMID: 25741868, with internal and published modifications).

NM_022356.4(P3H1):c.783C>T (p.Asn261=)

Gene: P3H1 (prolyl 3-hydroxylase 1; minus strand). Cytogenetic location: 1p34.2.
Variant type: single nucleotide variant.
Coding change: c.783C>T on transcript NM_022356.4 (MANE Select); coding-DNA position 783, C replaced by T.
Protein change: p.Asn261=; no amino-acid change (asparagine 261 retained).
Molecular consequence: synonymous variant.
Genome position (GRCh38, 1-based): chr1:42,759,226, G>A on the plus strand (C>T on the coding strand, the complement: P3H1 is on the minus strand). VCF-style: chr1-42759226-G-A. GRCh37 (hg19) VCF-style: chr1-43224897-G-A.
Other names: c.783C>T, p.Asn261= (NM_001146289.2, NM_001243246.2).
Identifiers: ClinVar variation 705629 (VCV000705629.14), dbSNP rs751705501, ClinGen allele CA802079.
Genomic context (GRCh38, chr1:42,759,226, plus strand): 5'-GCCTGGCTGAAGGTCTGGCTCTGAACTGCACGCACCTGTGATGGCCTGGAAGAGGTCAGC[G>A]TTGTACTCAAGGTAGTTGTAGCCATCGTAGTCATAGGGCCCTTCGCAGAGGGCACGGCAC-3'
Protein context (NP_071751.3, residues 251-271): DYDGYNYLEY[Asn261=]ADLFQAITDH